The following is an entry in ClinVar:

ClinVar aggregate classification (germline): Benign/Likely benign. Review status: criteria provided, multiple submitters, no conflicts (2 of 4 stars). 4 submissions from 4 submitters: Benign (1); Likely benign (2). 1 of the submissions does not count toward it. Last evaluated 2026-01-28.

Conditions:
MAP3K20-related disorder. Also called: MAP3K20-related condition.

Allele frequency attached by ClinVar (database versions not stated): gnomAD exomes 0.00030 and 0.00070; ExAC 0.00078; ESP Exome Variant Server 0.00255; gnomAD 0.00269 and 0.00281; TOPMed 0.00297; 1000 Genomes Project 30x 0.00390; 1000 Genomes Project 0.00399.
gnomAD v4.1: 882 of 1,614,070 alleles (0.055%); highest among the groups gnomAD compares: African/African-American, 1%; 6 homozygotes.

Submissions (4):

Labcorp Genetics (formerly Invitae), Labcorp
Classification: Benign. Last evaluated: 2026-01-28. Review status: criteria provided, single submitter. Criteria: Invitae Variant Classification Sherloc (09022015). Collection method: clinical testing. Allele origin: germline.

Mayo Clinic Laboratories, Mayo Clinic
Classification: Likely benign. Last evaluated: 2025-07-17. Review status: criteria provided, single submitter. Criteria: ACMG Guidelines, 2015. Collection method: clinical testing. Allele origin: germline. Observed: 1 variant allele.
Comment: BS1, BP4, BP7

CeGaT Center for Human Genetics Tuebingen
Classification: Likely benign. Last evaluated: 2022-04-01. Review status: criteria provided, single submitter. Criteria: CeGaT Center For Human Genetics Tuebingen Variant Classification Criteria Version 2. Collection method: clinical testing. Allele origin: germline. Affected: yes. Observed: 1 variant allele.
Comment: MAP3K20: BP4, BP7

PreventionGenetics, part of Exact Sciences
Classification: Benign for MAP3K20-related condition. Last evaluated: 2024-07-02. Review status: no assertion criteria provided. Collection method: clinical testing. Allele origin: germline. Not counted in ClinVar's aggregate classification.
Comment: This variant is classified as benign based on ACMG/AMP sequence variant interpretation guidelines (Richards et al. 2015 PMID: 25741868, with internal and published modifications).

NM_016653.3(MAP3K20):c.1986C>T (p.Gly662=)

Genes: MAP3K20 (mitogen-activated protein kinase kinase kinase 20; plus strand), MAP3K20-AS1 (MAP3K20 antisense RNA 1; minus strand). Cytogenetic location: 2q31.1.
Variant type: single nucleotide variant.
Coding change: c.1986C>T on transcript NM_016653.3 (MANE Select); coding-DNA position 1986, C replaced by T.
Protein change: p.Gly662=; no amino-acid change (glycine 662 retained).
Molecular consequence: synonymous variant.
Genome position (GRCh38, 1-based): chr2:173,266,333, C>T. VCF-style: chr2-173266333-C-T. GRCh37 (hg19) VCF-style: chr2-174131061-C-T.
Other names: p.Gly662=; c.1986C>T (NM_016653.2).
Identifiers: ClinVar variation 1641245 (VCV001641245.33), dbSNP rs7593849, ClinGen allele CA1971004.